The following is an entry in ClinVar:

ClinVar aggregate classification (germline): Uncertain significance (1 of 4 stars; one submission).

Submission:

GeneDx
Classification: Uncertain significance. Last evaluated: 2018-04-03. Review status: criteria provided, single submitter. Criteria: GeneDx Variant Classification (06012015). Collection method: clinical testing. Allele origin: germline. Affected: yes.
Comment: The L356F variant in the SOS1 gene has not been reported previously as a pathogenic variant, nor as a benign variant, to our knowledge. The L356F variant is not observed in large population cohorts (Lek et al., 2016). The L356F variant is a conservative amino acid substitution, which is not likely to impact secondary protein structure as these residues share similar properties. In-silico analyses, including protein predictors and evolutionary conservation, support that this variant does not alter protein structure/function. We interpret L356F as a variant of uncertain significance.

NM_005633.4(SOS1):c.1066C>T (p.Leu356Phe)

Gene: SOS1 (SOS Ras/Rac guanine nucleotide exchange factor 1; minus strand). Cytogenetic location: 2p22.1.
Variant type: single nucleotide variant.
Coding change: c.1066C>T on transcript NM_005633.4 (MANE Select); coding-DNA position 1066, C replaced by T.
Protein change: p.Leu356Phe; replaces leucine 356 with phenylalanine.
Molecular consequence: missense variant.
Genome position (GRCh38, 1-based): chr2:39,035,220, G>A on the plus strand (C>T on the coding strand, the complement: SOS1 is on the minus strand). VCF-style: chr2-39035220-G-A. GRCh37 (hg19) VCF-style: chr2-39262361-G-A.
Other names: c.1045C>T, p.Leu349Phe (NM_001382394.1); c.1066C>T, p.Leu356Phe (NM_001382395.1); short protein forms L356F, L349F.
Identifiers: ClinVar variation 561778 (VCV000561778.1), dbSNP rs1558480495, ClinGen allele CA346367075.